The following is an entry in ClinVar:

NM_031844.3(HNRNPU):c.637AAG[2] (p.Lys215del)

Gene: HNRNPU (heterogeneous nuclear ribonucleoprotein U; minus strand). Cytogenetic location: 1q44.
Variant type: Microsatellite.
Coding change: c.637AAG[2] on transcript NM_031844.3 (MANE Select); two copies in a row of the 3-base unit AAG starting at c.637; the reference has three copies in a row; one copy, 3 bases deleted.
Protein change: p.Lys215del; deletes lysine 215.
Molecular consequence: inframe deletion. On other transcripts: intron variant (1).
Genome position (GRCh38, 1-based): chr1:244,863,663-244,863,665, CTT deleted on the plus strand (AAG on the coding strand, the reverse complement: HNRNPU is on the minus strand); deleting any 3 consecutive bases within chr1:244,863,663-244,863,671 gives the same sequence; the position shown is the placement nearest the transcript's 3' end. VCF-style (leftmost placement, unchanged base first): chr1-244863662-CCTT-C. GRCh37 (hg19) VCF-style: chr1-245026964-CCTT-C.
Other names: c.634+3AAG[2] (NM_004501.3); short protein forms K215del.
Identifiers: ClinVar variation 1025913 (VCV001025913.9), dbSNP rs750936227, ClinGen allele CA1486761.

ClinVar aggregate classification (germline): Uncertain significance (1 of 4 stars; one submission).

Conditions:
Developmental and epileptic encephalopathy, 54. Also called: Epileptic encephalopathy, early infantile, 54; HNRNPU-Related Neurodevelopmental Disorder. Identifiers: MedGen C4479319, MONDO:0033363, OMIM 617391.

Submission:

Labcorp Genetics (formerly Invitae), Labcorp
Classification: Uncertain significance for Developmental and epileptic encephalopathy, 54. Last evaluated: 2026-02-02. Review status: criteria provided, single submitter. Criteria: Invitae Variant Classification Sherloc (09022015). Collection method: clinical testing. Allele origin: germline.
Comment: This variant, c.643_645del, results in the deletion of 1 amino acid(s) of the HNRNPU protein (p.Lys215del), but otherwise preserves the integrity of the reading frame. This variant is present in population databases (rs750936227, gnomAD 0.008%). This variant has not been reported in the literature in individuals affected with HNRNPU-related conditions. Experimental studies and prediction algorithms are not available or were not evaluated, and the functional significance of this variant is currently unknown. In summary, the available evidence is currently insufficient to determine the role of this variant in disease. Therefore, it has been classified as a Variant of Uncertain Significance.